The following is an entry in ClinVar:

ClinVar aggregate classification (germline): Conflicting classifications of pathogenicity. Review status: criteria provided, conflicting classifications (1 of 4 stars). 18 submissions from 12 submitters: Uncertain significance (3); Likely benign (13). 2 of the submissions do not count toward it. Last evaluated 2026-02-01.

Conditions:
Geleophysic dysplasia. Identifiers: Orphanet 2623, MedGen C3489726, MONDO:0000127.
Weill-Marchesani syndrome. Also called: WM Syndrome; Mesodermal dysmorphodystrophy congenital. Identifiers: Orphanet 3449, MedGen C0265313, MONDO:0018096.
Familial thoracic aortic aneurysm and aortic dissection (TAAD). Also called: Thoracic aortic aneurysms and dissections. Identifiers: Orphanet 91387, MedGen C4707243, MONDO:0019625.
Marfan syndrome (MFS). Also called: Marfan syndrome, classic; MARFAN SYNDROME, TYPE I; FBN1-Related Marfan Syndrome; Marfan syndrome type 1; Marfan's syndrome. Identifiers: Orphanet 284963, Orphanet 558, MedGen C0024796, MONDO:0007947, OMIM 154700.
Acromicric dysplasia (ACMICD). Also called: Acromicric skeletal dysplasia. Identifiers: Orphanet 969, MedGen C0265287, MONDO:0007055, OMIM 102370.
Stiff skin syndrome (SSKS). Identifiers: Orphanet 2833, MedGen C1861456, MONDO:0008492, OMIM 184900.
Ectopia lentis 1, isolated, autosomal dominant (ECTOL1). Identifiers: Orphanet 1885, MedGen C3541518, MONDO:0007514, OMIM 129600.

Allele frequency attached by ClinVar (database versions not stated): gnomAD exomes 0.00005 and 0.00016; ExAC 0.00007; TOPMed 0.00009; gnomAD 0.00014 and 0.00015; ESP Exome Variant Server 0.00015.
gnomAD v4.1: 245 of 1,613,994 alleles (0.015%); highest among the groups gnomAD compares: Non-Finnish European, 0.02%; no homozygotes.

Submissions (18):

Labcorp Genetics (formerly Invitae), Labcorp
Classification: Likely benign for Marfan syndrome; Familial thoracic aortic aneurysm and aortic dissection. Last evaluated: 2026-02-01. Review status: criteria provided, single submitter. Criteria: Invitae Variant Classification Sherloc (09022015). Collection method: clinical testing. Allele origin: germline.

Blueprint Genetics
Classification: Likely benign. Last evaluated: 2024-03-26. Review status: criteria provided, single submitter. Criteria: ACMG Guidelines, 2015. Collection method: clinical testing. Allele origin: germline.

All of Us Research Program, National Institutes of Health
Classification: Likely benign for Marfan syndrome. Last evaluated: 2024-02-05. Review status: criteria provided, single submitter. Criteria: ACMG Guidelines, 2015. Collection method: clinical testing. Allele origin: germline. Inheritance: Autosomal dominant inheritance. Observed: 22 variant alleles, 22 heterozygotes.
Comment: This study involves interpretation of variants in research participants for the purpose of population health screening. Participant phenotype was not available at the time of variant classification. Additional details can be found in publication PMID: 35346344, PMCID: PMC8962531

ARUP Laboratories, Molecular Genetics and Genomics, ARUP Laboratories
Classification: Likely benign. Last evaluated: 2023-04-10. Review status: criteria provided, single submitter. Criteria: ARUP Molecular Germline Variant Investigation Process 2024. Collection method: clinical testing. Allele origin: germline.

Women's Health and Genetics/Laboratory Corporation of America, LabCorp
Classification: Likely benign. Last evaluated: 2019-06-17. Review status: criteria provided, single submitter. Criteria: LabCorp Variant Classification Summary - May 2015. Collection method: clinical testing. Allele origin: germline.
Comment: Variant summary: FBN1 c.7056C>T alters a non-conserved nucleotide resulting in a synonymous change. 5/5 computational tools predict no significant impact on normal splicing. However, these predictions have yet to be confirmed by functional studies. The variant allele was found at a frequency of 4.8e-05 in 250820 control chromosomes. This frequency is not significantly higher than expected for a pathogenic variant in FBN1 causing Marfan Syndrome (4.8e-05 vs 0.00011), allowing no conclusion about variant significance. To our knowledge, no occurrence of c.7056C>T in individuals affected with Marfan Syndrome and no experimental evidence demonstrating its impact on protein function have been reported in literature. Five clinical diagnostic laboratories have submitted clinical-significance assessments for this variant to ClinVar after 2014, reporting the variant with conflicting assessments. Three laboratories have reported the variant as likely benign, while two others have classified it as uncertain significance. Based on the evidence outlined above, the variant was classified as likely benign.

Color Diagnostics, LLC DBA Color Health
Classification: Likely benign for Familial thoracic aortic aneurysm and aortic dissection. Last evaluated: 2019-02-10. Review status: criteria provided, single submitter. Criteria: ACMG Guidelines, 2015. Collection method: clinical testing. Allele origin: germline.

Illumina Laboratory Services, Illumina
Classification: Uncertain significance for Familial thoracic aortic aneurysm and aortic dissection. Last evaluated: 2018-01-13. Review status: criteria provided, single submitter. Criteria: ICSL Variant Classification Criteria 13 December 2019. Collection method: clinical testing. Allele origin: germline.

Illumina Laboratory Services, Illumina
Classification: Likely benign for Geleophysic dysplasia. Last evaluated: 2018-01-13. Review status: criteria provided, single submitter. Criteria: ICSL Variant Classification Criteria 13 December 2019. Collection method: clinical testing. Allele origin: germline.
Comment: This variant was observed in the ICSL laboratory as part of a predisposition screen in an ostensibly healthy population. It had not been previously curated by ICSL or reported in the Human Gene Mutation Database (HGMD: prior to June 1st, 2018), and was therefore a candidate for classification through an automated scoring system. Utilizing variant allele frequency, disease prevalence and penetrance estimates, and inheritance mode, an automated score was calculated to assess if this variant is too frequent to cause the disease. Based on the score and internal cut-off values, a variant classified as likely benign is not then subjected to further curation. The score for this variant resulted in a classification of likely benign for this disease.

Illumina Laboratory Services, Illumina
Classification: Likely benign for Acromicric dysplasia. Last evaluated: 2018-01-13. Review status: criteria provided, single submitter. Criteria: ICSL Variant Classification Criteria 13 December 2019. Collection method: clinical testing. Allele origin: germline.
Comment: the same text as in the submission from Illumina Laboratory Services, Illumina above.

Illumina Laboratory Services, Illumina
Classification: Likely benign for Ectopia lentis 1, isolated, autosomal dominant. Last evaluated: 2018-01-13. Review status: criteria provided, single submitter. Criteria: ICSL Variant Classification Criteria 13 December 2019. Collection method: clinical testing. Allele origin: germline.
Comment: the same text as in the submission from Illumina Laboratory Services, Illumina above.

Illumina Laboratory Services, Illumina
Classification: Likely benign for Weill-Marchesani syndrome. Last evaluated: 2018-01-13. Review status: criteria provided, single submitter. Criteria: ICSL Variant Classification Criteria 13 December 2019. Collection method: clinical testing. Allele origin: germline.
Comment: the same text as in the submission from Illumina Laboratory Services, Illumina above.

Illumina Laboratory Services, Illumina
Classification: Likely benign for Stiff skin syndrome. Last evaluated: 2018-01-13. Review status: criteria provided, single submitter. Criteria: ICSL Variant Classification Criteria 13 December 2019. Collection method: clinical testing. Allele origin: germline.
Comment: the same text as in the submission from Illumina Laboratory Services, Illumina above.

Illumina Laboratory Services, Illumina
Classification: Uncertain significance for Marfan syndrome. Last evaluated: 2018-01-13. Review status: criteria provided, single submitter. Criteria: ICSL Variant Classification Criteria 13 December 2019. Collection method: clinical testing. Allele origin: germline.

GeneDx
Classification: Likely benign. Last evaluated: 2018-01-04. Review status: criteria provided, single submitter. Criteria: GeneDx Variant Classification (06012015). Collection method: clinical testing. Allele origin: germline. Affected: yes.
Comment: This variant is considered likely benign or benign based on one or more of the following criteria: it is a conservative change, it occurs at a poorly conserved position in the protein, it is predicted to be benign by multiple in silico algorithms, and/or has population frequency not consistent with disease.

CeGaT Center for Human Genetics Tuebingen
Classification: Uncertain significance. Last evaluated: 2016-12-01. Review status: criteria provided, single submitter. Criteria: CeGaT Center For Human Genetics Tuebingen Variant Classification Criteria Version 2. Collection method: clinical testing. Allele origin: germline. Affected: yes. Observed: 1 variant allele.

Ambry Genetics
Classification: Likely benign for Familial thoracic aortic aneurysm and aortic dissection. Last evaluated: 2016-09-12. Review status: criteria provided, single submitter. Criteria: Ambry Variant Classification Scheme 2023. Collection method: clinical testing. Allele origin: germline.

Genome Diagnostics Laboratory, Amsterdam University Medical Center
Classification: Likely benign. Review status: no assertion criteria provided. Collection method: clinical testing. Allele origin: germline. Affected: yes. Study: VKGL Data-share Consensus. Not counted in ClinVar's aggregate classification.

Joint Genome Diagnostic Labs from Nijmegen and Maastricht, Radboudumc and MUMC+
Classification: Likely benign. Review status: no assertion criteria provided. Collection method: clinical testing. Allele origin: germline. Affected: yes. Study: VKGL Data-share Consensus. Not counted in ClinVar's aggregate classification.

NM_000138.5(FBN1):c.7056C>T (p.Ser2352=)

Gene: FBN1 (fibrillin 1; minus strand). Cytogenetic location: 15q21.1.
Variant type: single nucleotide variant.
Coding change: c.7056C>T on transcript NM_000138.5 (MANE Select); coding-DNA position 7056, C replaced by T.
Protein change: p.Ser2352=; no amino-acid change (serine 2352 retained).
Molecular consequence: synonymous variant.
Genome position (GRCh38, 1-based): chr15:48,427,715, G>A on the plus strand (C>T on the coding strand, the complement: FBN1 is on the minus strand). VCF-style: chr15-48427715-G-A. GRCh37 (hg19) VCF-style: chr15-48719912-G-A.
Identifiers: ClinVar variation 263431 (VCV000263431.68), dbSNP rs149697299, ClinGen allele CA057877.